The following is an entry in ClinVar:

ClinVar aggregate classification (germline): Uncertain significance. Review status: criteria provided, multiple submitters, no conflicts (2 of 4 stars). 3 submissions from 3 submitters: Uncertain significance (3). Last evaluated 2024-05-30.

Conditions:
Malignant hyperthermia, susceptibility to, 5 (MHS5). Also called: CACNA1S-Related Malignant Hyperthermia Susceptibility. Identifiers: Orphanet 423, MedGen C1866077, MONDO:0011163, OMIM 601887.
Hypokalemic periodic paralysis, type 1. Also called: Hypokalemic Periodic Paralysis Type 1 (AD); HypoPP. Identifiers: Orphanet 681, MedGen C3714580, MONDO:0042979, OMIM 170400.
Congenital myopathy 18. Also called: Myopathy, congenital, due to dihydropyridine receptor defect; DIHYDROPYRIDINE RECEPTOR CONGENITAL MYOPATHY; DHPR CONGENITAL MYOPATHY. Identifiers: MedGen C5830283, MONDO:0859514, OMIM 620246.
Thyrotoxic periodic paralysis, susceptibility to, 1 (TTPP1). Identifiers: Orphanet 79102, MedGen C2749982, MONDO:0008570, OMIM 188580.

Allele frequency attached by ClinVar (database versions not stated): gnomAD exomes below 0.00001.
gnomAD v4.1: 1 of 1,613,582 alleles (0.000062%); highest among the groups gnomAD compares: African/African-American, 0.0013%; no homozygotes.

Submissions (3):

All of Us Research Program, National Institutes of Health
Classification: Uncertain significance for Malignant hyperthermia, susceptibility to, 5. Last evaluated: 2024-05-30. Review status: criteria provided, single submitter. Criteria: ACMG Guidelines, 2015. Collection method: clinical testing. Allele origin: germline. Inheritance: Autosomal dominant inheritance. Observed: 1 variant allele, 1 heterozygote.
Comment: This missense variant replaces proline with leucine at codon 1740 of the CACNA1S protein. Computational prediction suggests that this variant may not impact protein structure and function (internally defined REVEL score threshold <= 0.5, PMID: 27666373). To our knowledge, functional studies have not been reported for this variant. This variant has not been reported in individuals affected with CACNA1S-related disorders in the literature. This variant has not been identified in the general population by the Genome Aggregation Database (gnomAD). The available evidence is insufficient to determine the role of this variant in disease conclusively. Therefore, this variant is classified as a Variant of Uncertain Significance.

This study involves interpretation of variants in research participants for the purpose of population health screening. Participant phenotype was not available at the time of variant classification. Additional details can be found in publication PMID: 35346344, PMCID: PMC8962531

Fulgent Genetics
Classification: Uncertain significance for Hypokalemic periodic paralysis, type 1; Thyrotoxic periodic paralysis, susceptibility to, 1; Malignant hyperthermia, susceptibility to, 5; Congenital myopathy 18. Last evaluated: 2024-02-19. Review status: criteria provided, single submitter. Criteria: ACMG Guidelines, 2015. Collection method: clinical testing. Allele origin: germline.

Labcorp Genetics (formerly Invitae), Labcorp
Classification: Uncertain significance for Hypokalemic periodic paralysis, type 1; Malignant hyperthermia, susceptibility to, 5. Last evaluated: 2023-09-06. Review status: criteria provided, single submitter. Criteria: Invitae Variant Classification Sherloc (09022015). Collection method: clinical testing. Allele origin: germline.
Comment: In summary, the available evidence is currently insufficient to determine the role of this variant in disease. Therefore, it has been classified as a Variant of Uncertain Significance. Advanced modeling of protein sequence and biophysical properties (such as structural, functional, and spatial information, amino acid conservation, physicochemical variation, residue mobility, and thermodynamic stability) performed at Invitae indicates that this missense variant is not expected to disrupt CACNA1S protein function. This variant has not been reported in the literature in individuals affected with CACNA1S-related conditions. This variant is not present in population databases (gnomAD no frequency). This sequence change replaces proline, which is neutral and non-polar, with leucine, which is neutral and non-polar, at codon 1740 of the CACNA1S protein (p.Pro1740Leu).

NM_000069.3(CACNA1S):c.5219C>T (p.Pro1740Leu)

Gene: CACNA1S (calcium voltage-gated channel subunit alpha1 S; minus strand). Cytogenetic location: 1q32.1.
Variant type: single nucleotide variant.
Coding change: c.5219C>T on transcript NM_000069.3 (MANE Select); coding-DNA position 5219, C replaced by T.
Protein change: p.Pro1740Leu; replaces proline 1740 with leucine.
Molecular consequence: missense variant.
Genome position (GRCh38, 1-based): chr1:201,040,629, G>A on the plus strand (C>T on the coding strand, the complement: CACNA1S is on the minus strand). VCF-style: chr1-201040629-G-A. GRCh37 (hg19) VCF-style: chr1-201009757-G-A.
Other names: short protein forms P1740L.
Identifiers: ClinVar variation 2927910 (VCV002927910.5), dbSNP rs987296380, ClinGen allele CA35989904.
Genomic context (GRCh38, chr1:201,040,629, plus strand): 5'-GGCCAGGCAGGGTCTCTGTATGGAGTTTGCTCCCAGGCCTCTGCCACTGTTACCTGGCAG[G>A]GGGCAGGAGGTGCCTGGCCTCTGGGCATTGCCCTCTGGGTCAGCAGTCCCTTCAGCATCT-3'
Protein context (NP_000060.2, residues 1730-1750): AMPRGQAPPA[Pro1740Leu]CQCPRVESSM